The following is an entry in ClinVar:

NM_000257.4(MYH7):c.2384T>G (p.Val795Gly)

Genes: MYH7 (myosin heavy chain 7; minus strand), LOC126861898 (BRD4-independent group 4 enhancer GRCh37_chr14:23893609-23894808; plus strand). Cytogenetic location: 14q11.2.
Variant type: single nucleotide variant.
Coding change: c.2384T>G on transcript NM_000257.4 (MANE Select); coding-DNA position 2384, T replaced by G.
Protein change: p.Val795Gly; replaces valine 795 with glycine.
Molecular consequence: missense variant.
Genome position (GRCh38, 1-based): chr14:23,425,321, A>C on the plus strand (T>G on the coding strand, the complement: MYH7 is on the minus strand). VCF-style: chr14-23425321-A-C. GRCh37 (hg19) VCF-style: chr14-23894530-A-C.
Other names: c.2384T>G, p.Val795Gly (NM_001407004.1); short protein forms V795G.
Identifiers: ClinVar variation 3365103 (VCV003365103.1).
Genomic context (GRCh38, chr14:23,425,321, plus strand): 5'-CCTCCTCTTGAGATCTCTCACCTACGTTCCAGCAGCTTTTTGTACTCCATTCTGGCGAGC[A>C]CACCTCGGGACTGGGCCTGGATACGCGTGATGATGCGGCTCAGCCTCTCGTCCCTCATTT-3'
Protein context (NP_000248.2, residues 785-805): ITRIQAQSRG[Val795Gly]LARMEYKKLL

ClinVar aggregate classification (germline): Uncertain significance (1 of 4 stars; one submission).

Submission:

GeneDx
Classification: Uncertain significance. Last evaluated: 2023-11-30. Review status: criteria provided, single submitter. Criteria: GeneDx Variant Classification Process June 2021. Collection method: clinical testing. Allele origin: germline. Affected: yes.
Comment: Has not been previously published as pathogenic or benign to our knowledge; Not observed at significant frequency in large population cohorts (gnomAD); At the protein level, in silico analysis supports that this missense variant does not alter protein structure/function; At the mRNA level, in silico analysis suggests this variant may impact gene splicing. In the absence of RNA/functional studies, the actual effect of this sequence change is unknown.; This variant is associated with the following publications: (PMID: 27532257, 29300372)